The following is an entry in ClinVar:

ClinVar aggregate classification (germline): Uncertain significance (1 of 4 stars; one submission).

Conditions:
Multiple endocrine neoplasia, type 1 (MEN1). Also called: MEN I; WERMER SYNDROME; Endocrine adenomatosis multiple; MEN 1; MEA I. Identifiers: Orphanet 652, MedGen C0025267, MeSH D018761, MONDO:0007540, OMIM 131100.

Allele frequency attached by ClinVar (database versions not stated): gnomAD exomes below 0.00001.
gnomAD v4.1: 1 of 1,614,178 alleles (0.000062%); highest among the groups gnomAD compares: Non-Finnish European, 0.000085%; no homozygotes.

Submission:

Labcorp Genetics (formerly Invitae), Labcorp
Classification: Uncertain significance for Multiple endocrine neoplasia, type 1. Last evaluated: 2022-09-14. Review status: criteria provided, single submitter. Criteria: Invitae Variant Classification Sherloc (09022015). Collection method: clinical testing. Allele origin: germline.
Comment: In summary, the available evidence is currently insufficient to determine the role of this variant in disease. Therefore, it has been classified as a Variant of Uncertain Significance. This variant disrupts the p.Leu143 amino acid residue in MEN1. Other variant(s) that disrupt this residue have been observed in individuals with MEN1-related conditions (PMID: 23188049; Invitae), which suggests that this may be a clinically significant amino acid residue. This sequence change replaces leucine, which is neutral and non-polar, with valine, which is neutral and non-polar, at codon 143 of the MEN1 protein (p.Leu143Val). This variant is not present in population databases (gnomAD no frequency). This variant has not been reported in the literature in individuals affected with MEN1-related conditions. Advanced modeling of protein sequence and biophysical properties (such as structural, functional, and spatial information, amino acid conservation, physicochemical variation, residue mobility, and thermodynamic stability) performed at Invitae indicates that this missense variant is expected to disrupt MEN1 protein function.

Literature cited by the submitters: PubMed 23188049.

NM_001370259.2(MEN1):c.427C>G (p.Leu143Val)

Gene: MEN1 (menin 1; minus strand). Cytogenetic location: 11q13.1.
Variant type: single nucleotide variant.
Coding change: c.427C>G on transcript NM_001370259.2 (MANE Select); coding-DNA position 427, C replaced by G.
Protein change: p.Leu143Val; replaces leucine 143 with valine.
Molecular consequence: missense variant.
Genome position (GRCh38, 1-based): chr11:64,809,683, G>C on the plus strand (C>G on the coding strand, the complement: MEN1 is on the minus strand). VCF-style: chr11-64809683-G-C. GRCh37 (hg19) VCF-style: chr11-64577155-G-C.
Other names: c.427C>G, p.Leu143Val (NM_000244.4, NM_001370251.2, NM_001370260.2 and 20 more transcripts); short protein forms L143V.
Identifiers: ClinVar variation 2418643 (VCV002418643.6), dbSNP rs2136178203, ClinGen allele CA381186730.